The following is an entry in ClinVar:

ClinVar aggregate classification (germline): Uncertain significance. Review status: criteria provided, multiple submitters, no conflicts (2 of 4 stars). 2 submissions from 2 submitters: Uncertain significance (2). Last evaluated 2025-05-13.

Conditions:
Pulmonary fibrosis and/or bone marrow failure, Telomere-related, 3. Also called: PULMONARY FIBROSIS AND/OR BONE MARROW FAILURE SYNDROME, TELOMERE-RELATED, 3. Identifiers: Orphanet 2032, MedGen C4225346, MONDO:0014613, OMIM 616373.
Dyskeratosis congenita, autosomal recessive 5 (DKCB5). Identifiers: MedGen C3554656, MONDO:0014076, OMIM 615190.
Inborn genetic diseases. Identifiers: MedGen C0950123, MeSH D030342.

Allele frequency attached by ClinVar (database versions not stated): gnomAD exomes 0.00001; ExAC 0.00003.
gnomAD v4.1: 32 of 1,612,424 alleles (0.002%); highest among the groups gnomAD compares: Non-Finnish European, 0.0027%; no homozygotes.

Submissions (2):

Labcorp Genetics (formerly Invitae), Labcorp
Classification: Uncertain significance for Dyskeratosis congenita, autosomal recessive 5; Pulmonary fibrosis and/or bone marrow failure, Telomere-related, 3. Last evaluated: 2025-05-13. Review status: criteria provided, single submitter. Criteria: Invitae Variant Classification Sherloc (09022015). Collection method: clinical testing. Allele origin: germline.
Comment: This sequence change replaces proline, which is neutral and non-polar, with leucine, which is neutral and non-polar, at codon 1111 of the RTEL1 protein (p.Pro1111Leu). This variant is present in population databases (rs746179380, gnomAD 0.003%). This variant has not been reported in the literature in individuals affected with RTEL1-related conditions. ClinVar contains an entry for this variant (Variation ID: 948248). An algorithm developed to predict the effect of missense changes on protein structure and function (PolyPhen-2) suggests that this variant is likely to be tolerated. In summary, the available evidence is currently insufficient to determine the role of this variant in disease. Therefore, it has been classified as a Variant of Uncertain Significance.

Ambry Genetics
Classification: Uncertain significance for Inborn genetic diseases. Last evaluated: 2025-05-03. Review status: criteria provided, single submitter. Criteria: Ambry Variant Classification Scheme 2023. Collection method: clinical testing. Allele origin: germline.
Comment: The p.P1111L variant (also known as c.3332C>T), located in coding exon 31 of the RTEL1 gene, results from a C to T substitution at nucleotide position 3332. The proline at codon 1111 is replaced by leucine, an amino acid with similar properties. This amino acid position is conserved. In addition, this alteration is predicted to be tolerated by in silico analysis. Based on the available evidence, the clinical significance of this variant remains unclear.

NM_001283009.2(RTEL1):c.3332C>T (p.Pro1111Leu)

Genes: RTEL1-TNFRSF6B (RTEL1-TNFRSF6B readthrough (NMD candidate); plus strand), RTEL1 (regulator of telomere elongation helicase 1; plus strand). Cytogenetic location: 20q13.33.
Variant type: single nucleotide variant.
Coding change: c.3332C>T on transcript NM_001283009.2 (MANE Select); coding-DNA position 3332, C replaced by T.
Protein change: p.Pro1111Leu; replaces proline 1111 with leucine.
Molecular consequence: missense variant. On other transcripts: non-coding transcript variant (1).
Genome position (GRCh38, 1-based): chr20:63,694,963, C>T. VCF-style: chr20-63694963-C-T. GRCh37 (hg19) VCF-style: chr20-62326316-C-T.
Other names: c.2663C>T, p.Pro888Leu (NM_001283010.1); c.3332C>T, p.Pro1111Leu (NM_016434.4); c.3404C>T, p.Pro1135Leu (NM_032957.5); short protein forms P1135L, P1111L, P888L.
Identifiers: ClinVar variation 948248 (VCV000948248.8), dbSNP rs746179380, ClinGen allele CA9965957.